The following is an entry in ClinVar:

NM_000237.3(LPL):c.*1671T>C

Gene: LPL (lipoprotein lipase; plus strand). Cytogenetic location: 8p21.3.
Variant type: single nucleotide variant.
Coding change: c.*1671T>C on transcript NM_000237.3 (MANE Select); 1671 bases downstream of the stop codon, T replaced by C.
Molecular consequence: 3 prime UTR variant.
Genome position (GRCh38, 1-based): chr8:19,966,981, T>C. VCF-style: chr8-19966981-T-C. GRCh37 (hg19) VCF-style: chr8-19824492-T-C.
Other names: T-C (rs13702).
Identifiers: ClinVar variation 40131 (VCV000040131.17), dbSNP rs13702, ClinGen allele CA130748.

ClinVar aggregate classification (germline): Benign. Review status: criteria provided, multiple submitters, no conflicts (2 of 4 stars). 5 submissions from 5 submitters: Benign (4). 1 of the submissions does not count toward it. Last evaluated 2025-06-04.

Conditions:
Hyperlipoproteinemia, type I. Also called: HYPERLIPOPROTEINEMIA, TYPE IA; LPL DEFICIENCY; Lipoprotein Lipase Deficiency; Hyperlipoproteinemia type 1; Hyperchylomicro-nemia familial; Familial chylomicronemia. Identifiers: Orphanet 309015, Orphanet 444490, MedGen C0023817, MONDO:0009387, OMIM 238600. Disease mechanism: loss of function.
High density lipoprotein cholesterol level quantitative trait locus 11 (HDLCQ11). Identifiers: MedGen C1969232.

Allele frequency attached by ClinVar (database versions not stated): TOPMed 0.36138; gnomAD exomes 0.27083; gnomAD 0.35875 and 0.35126; 1000 Genomes Project 30x 0.34541; 1000 Genomes Project 0.33486.
gnomAD v4.1: 53,560 of 152,466 alleles (35%); highest among the groups gnomAD compares: African/African-American, 51%; 10,325 homozygotes.

Submissions (5):

Labcorp Genetics (formerly Invitae), Labcorp
Classification: Benign. Last evaluated: 2025-06-04. Review status: criteria provided, single submitter. Criteria: Invitae Variant Classification Sherloc (09022015). Collection method: clinical testing. Allele origin: germline.

GeneDx
Classification: Benign. Last evaluated: 2019-04-12. Review status: criteria provided, single submitter. Criteria: GeneDx Variant Classification Process June 2021. Collection method: clinical testing. Allele origin: germline. Affected: yes.
Comment: This variant is associated with the following publications: (PMID: 24990426, 21386085, 25814643, 26820803, 23246289)

Illumina Laboratory Services, Illumina
Classification: Benign for Hyperlipoproteinemia, type I. Last evaluated: 2018-01-13. Review status: criteria provided, single submitter. Criteria: ICSL Variant Classification Criteria 13 December 2019. Collection method: clinical testing. Allele origin: germline.
Comment: This variant was observed in the ICSL laboratory as part of a predisposition screen in an ostensibly healthy population. It had not been previously curated by ICSL or reported in the Human Gene Mutation Database (HGMD: prior to June 1st, 2018), and was therefore a candidate for classification through an automated scoring system. Utilizing variant allele frequency, disease prevalence and penetrance estimates, and inheritance mode, an automated score was calculated to assess if this variant is too frequent to cause the disease. Based on the score and internal cut-off values, a variant classified as benign is not then subjected to further curation. The score for this variant resulted in a classification of benign for this disease.

Breakthrough Genomics
Classification: Benign. Review status: criteria provided, single submitter. Criteria: ACMG Guidelines, 2015. Collection method: not provided. Allele origin: germline. Inheritance: Autosomal recessive inheritance. Affected: yes.

OMIM
Classification: association for HIGH DENSITY LIPOPROTEIN CHOLESTEROL LEVEL QUANTITATIVE TRAIT LOCUS 11. Last evaluated: 2013-01-10. Review status: no assertion criteria provided. Collection method: literature only. Allele origin: germline. Not counted in ClinVar's aggregate classification.

Literature cited by the submitters: PubMed 23246289 (cited by OMIM).